The following is an entry in ClinVar:

ClinVar aggregate classification (germline): Pathogenic. Review status: criteria provided, multiple submitters, no conflicts (2 of 4 stars). 3 submissions from 3 submitters: Pathogenic (3). Last evaluated 2025-03-25.

Conditions:
Exostoses, multiple, type 2 (EXT2). Also called: Hereditary Multiple Osteochondromatosis, Type II; EXOSTOSES, MULTIPLE, TYPE II. Identifiers: Orphanet 321, MedGen C1851413, MONDO:0007586, OMIM 133701.
EXT2-related disorder. Also called: EXT2-related condition.

Submissions (3):

PreventionGenetics, part of Exact Sciences
Classification: Pathogenic for EXT2-related condition. Last evaluated: 2025-03-25. Review status: criteria provided, single submitter. Criteria: ACMG Guidelines, 2015. Collection method: clinical testing. Allele origin: germline.
Comment: The EXT2 c.244dupG variant is predicted to result in a frameshift and premature protein termination (p.Asp82Glyfs*11). This variant has been reported in individuals with hereditary multiple exostoses (referred to as 239-244insG, Wuyts et al. 2000. PubMed ID: 10679937; referred to as c.337_338insG, Bai et al. 2019. PubMed ID: 31030431; Internal Data, PreventionGenetics). This variant has not been reported in a large population database (gnomAD), indicating it is rare. Frameshift variants in EXT2 are expected to be pathogenic. This variant is interpreted as pathogenic.

Labcorp Genetics (formerly Invitae), Labcorp
Classification: Pathogenic for Exostoses, multiple, type 2. Last evaluated: 2025-03-11. Review status: criteria provided, single submitter. Criteria: Invitae Variant Classification Sherloc (09022015). Collection method: clinical testing. Allele origin: germline.
Comment: This sequence change creates a premature translational stop signal (p.Asp82Glyfs*11) in the EXT2 gene. It is expected to result in an absent or disrupted protein product. Loss-of-function variants in EXT2 are known to be pathogenic (PMID: 10679937, 19810120). This variant is not present in population databases (gnomAD no frequency). This premature translational stop signal has been observed in individual(s) with multiple osteochondromatosis (PMID: 10679937, 31030431). Invitae Evidence Modeling of clinical and family history, age, sex, and reported ancestry of multiple individuals with this EXT2 variant has been performed. This variant is expected to be pathogenic with a positive predictive value of at least 99%. This is a validated machine learning model that incorporates the clinical features of 50,122 individuals referred to our laboratory for EXT2 testing. This variant is also known as 239-244insG, c.337_338insG. ClinVar contains an entry for this variant (Variation ID: 1457792). For these reasons, this variant has been classified as Pathogenic.

GeneDx
Classification: Pathogenic. Last evaluated: 2024-08-14. Review status: criteria provided, single submitter. Criteria: GeneDx Variant Classification Process June 2021. Collection method: clinical testing. Allele origin: germline. Affected: yes.
Comment: Frameshift variant predicted to result in protein truncation or nonsense mediated decay in a gene for which loss of function is a known mechanism of disease; Not observed at significant frequency in large population cohorts (gnomAD); Has been reported in association with multiple exostoses in the literature but detailed clinical information on the patient(s) were not specified in the report (PMID: 10679937); This variant is associated with the following publications: (PMID: 18666861, 31030431, 10679937)

Literature cited by the submitters: PubMed 10679937 (cited by Labcorp Genetics (formerly Invitae), Labcorp); PubMed 19810120 (cited by Labcorp Genetics (formerly Invitae), Labcorp); PubMed 31030431 (cited by Labcorp Genetics (formerly Invitae), Labcorp).

NM_207122.2(EXT2):c.244dup (p.Asp82fs)

Gene: EXT2 (exostosin glycosyltransferase 2; plus strand). Cytogenetic location: 11p11.2.
Variant type: Duplication.
Coding change: c.244dup on transcript NM_207122.2 (MANE Select); coding-DNA position 244, one base duplicated (G; older notation c.244dupG).
Protein change: p.Asp82fs; shifts the reading frame from aspartic acid 82.
Molecular consequence: frameshift variant.
Genome position (GRCh38, 1-based): chr11:44,107,956, G duplicated; the last of 6 consecutive G bases (chr11:44,107,951-44,107,956); duplicating any one gives the same sequence. VCF-style (leftmost placement, unchanged base first): chr11-44107950-C-CG. GRCh37 (hg19) VCF-style: chr11-44129500-C-CG.
Other names: c.343dup, p.Asp115fs (NM_000401.3); c.244dup, p.Asp82fs (NM_001178083.3, NM_001389628.1, NM_001389630.1); c.244dup (NM_207122.1); c.244dupG (NM_207122.1); short protein forms D115fs, D82fs.
Identifiers: ClinVar variation 1457792 (VCV001457792.7), dbSNP rs1555002457, ClinGen allele CA2573146275.